The following is an entry in ClinVar:

ClinVar aggregate classification (germline): Uncertain significance. Review status: criteria provided, multiple submitters, no conflicts (2 of 4 stars). 4 submissions from 4 submitters: Uncertain significance (4). Last evaluated 2025-06-20.

Conditions:
Inborn genetic diseases. Identifiers: MedGen C0950123, MeSH D030342.
PEX3-related disorder. Also called: PEX3-related condition.

Allele frequency attached by ClinVar (database versions not stated): gnomAD exomes 0.00008 and 0.00021; gnomAD 0.00009 and 0.00012; TOPMed 0.00009; 1000 Genomes Project 0.00020; ESP Exome Variant Server 0.00031; ExAC 0.00008; 1000 Genomes Project 30x 0.00016.
gnomAD v4.1: 339 of 1,612,398 alleles (0.021%); highest among the groups gnomAD compares: Non-Finnish European, 0.026%; no homozygotes.

Submissions (4):

ARUP Laboratories, Molecular Genetics and Genomics, ARUP Laboratories
Classification: Uncertain significance. Last evaluated: 2025-06-20. Review status: criteria provided, single submitter. Criteria: ARUP Molecular Germline Variant Investigation Process 2024. Collection method: clinical testing. Allele origin: germline.
Comment: The PEX3 c.161G>A; p.Arg54Gln variant (rs139312919), to our knowledge, is not reported in the medical literature but is reported in ClinVar (Variation ID: 1425864). This variant is found in the non-Finnish European population with an allele frequency of 0.015% (20/129130 alleles) in the Genome Aggregation Database (v2.1.1). Computational analyses are uncertain whether this variant is neutral or deleterious (REVEL: 0.266). Due to limited information, the clinical significance of this variant is uncertain at this time.

Ambry Genetics
Classification: Uncertain significance for Inborn genetic diseases. Last evaluated: 2024-03-07. Review status: criteria provided, single submitter. Criteria: Ambry Variant Classification Scheme 2023. Collection method: clinical testing. Allele origin: germline.

PreventionGenetics, part of Exact Sciences
Classification: Uncertain significance for PEX3-related condition. Last evaluated: 2023-05-01. Review status: criteria provided, single submitter. Criteria: ACMG Guidelines, 2015. Collection method: clinical testing. Allele origin: germline.
Comment: The PEX3 c.161G>A variant is predicted to result in the amino acid substitution p.Arg54Gln. To our knowledge, this variant has not been reported in the literature. This variant is reported in 0.015% of alleles in individuals of European (Non-Finnish) descent in gnomAD. At this time, the clinical significance of this variant is uncertain due to the absence of conclusive functional and genetic evidence.

Labcorp Genetics (formerly Invitae), Labcorp
Classification: Uncertain significance. Last evaluated: 2022-08-16. Review status: criteria provided, single submitter. Criteria: Invitae Variant Classification Sherloc (09022015). Collection method: clinical testing. Allele origin: germline.
Comment: This sequence change replaces arginine, which is basic and polar, with glutamine, which is neutral and polar, at codon 54 of the PEX3 protein (p.Arg54Gln). This variant is present in population databases (rs139312919, gnomAD 0.02%). This variant has not been reported in the literature in individuals affected with PEX3-related conditions. ClinVar contains an entry for this variant (Variation ID: 1425864). Algorithms developed to predict the effect of missense changes on protein structure and function (SIFT, PolyPhen-2, Align-GVGD) all suggest that this variant is likely to be disruptive. In summary, the available evidence is currently insufficient to determine the role of this variant in disease. Therefore, it has been classified as a Variant of Uncertain Significance.

NM_003630.3(PEX3):c.161G>A (p.Arg54Gln)

Gene: PEX3 (peroxisomal biogenesis factor 3; plus strand). Cytogenetic location: 6q24.2.
Variant type: single nucleotide variant.
Coding change: c.161G>A on transcript NM_003630.3 (MANE Select); coding-DNA position 161, G replaced by A.
Protein change: p.Arg54Gln; replaces arginine 54 with glutamine.
Molecular consequence: missense variant.
Genome position (GRCh38, 1-based): chr6:143,459,172, G>A. VCF-style: chr6-143459172-G-A. GRCh37 (hg19) VCF-style: chr6-143780309-G-A.
Other names: c.161G>A (NM_003630.2); short protein forms R54Q.
Identifiers: ClinVar variation 1425864 (VCV001425864.5), dbSNP rs139312919, ClinGen allele CA4029470.